The following is an entry in ClinVar:

ClinVar aggregate classification (germline): Pathogenic/Likely pathogenic. Review status: criteria provided, multiple submitters, no conflicts (2 of 4 stars). 2 submissions from 2 submitters: Pathogenic (1); Likely pathogenic (1). Last evaluated 2024-02-22.

Conditions:
Mulibrey nanism syndrome. Also called: MUSCLE-LIVER-BRAIN-EYE NANISM; PERHEENTUPA SYNDROME; PERICARDIAL CONSTRICTION AND GROWTH FAILURE. Identifiers: Orphanet 2576, MedGen C0524582, MONDO:0009664, OMIM 253250.

Submissions (2):

Fulgent Genetics
Classification: Likely pathogenic for Mulibrey nanism syndrome. Last evaluated: 2024-02-22. Review status: criteria provided, single submitter. Criteria: ACMG Guidelines, 2015. Collection method: clinical testing. Allele origin: germline.

Labcorp Genetics (formerly Invitae), Labcorp
Classification: Pathogenic. Last evaluated: 2023-09-29. Review status: criteria provided, single submitter. Criteria: Invitae Variant Classification Sherloc (09022015). Collection method: clinical testing. Allele origin: germline.
Comment: For these reasons, this variant has been classified as Pathogenic. This variant has not been reported in the literature in individuals affected with TRIM37-related conditions. This variant is present in population databases (no rsID available, gnomAD 0.0009%). This sequence change creates a premature translational stop signal (p.Trp120*) in the TRIM37 gene. It is expected to result in an absent or disrupted protein product. Loss-of-function variants in TRIM37 are known to be pathogenic (PMID: 10888877, 15108285).

Literature cited by the submitters: PubMed 10888877 (cited by Labcorp Genetics (formerly Invitae), Labcorp); PubMed 15108285 (cited by Labcorp Genetics (formerly Invitae), Labcorp).

NM_015294.6(TRIM37):c.360G>A (p.Trp120Ter)

Gene: TRIM37 (tripartite motif containing 37; minus strand). Cytogenetic location: 17q22.
Variant type: single nucleotide variant.
Coding change: c.360G>A on transcript NM_015294.6 (MANE Select); coding-DNA position 360, G replaced by A.
Protein change: p.Trp120Ter; replaces tryptophan 120 with a stop codon.
Molecular consequence: nonsense. On other transcripts: 5 prime UTR variant (2), non-coding transcript variant (2), intron variant (1).
Genome position (GRCh38, 1-based): chr17:59,084,011, C>T on the plus strand (G>A on the coding strand, the complement: TRIM37 is on the minus strand). VCF-style: chr17-59084011-C-T. GRCh37 (hg19) VCF-style: chr17-57161372-C-T.
Other names: c.360G>A, p.Trp120Ter (NM_001005207.5, NM_001320988.3, NM_001320989.3 and 2 more transcripts); c.258G>A, p.Trp86Ter (NM_001320987.3, NM_001353082.2); c.-7G>A (NM_001320990.3); c.-393G>A (NM_001353083.2); c.-93-2792G>A (NM_001353085.2); short protein forms W120*, W86*.
Identifiers: ClinVar variation 2764323 (VCV002764323.4), dbSNP rs1170262447, ClinGen allele CA400392995.